The following is an entry in ClinVar:

ClinVar aggregate classification (germline): Likely pathogenic (1 of 4 stars; one submission).

Conditions:
Ptosis. Also called: Ptosis (disease). Identifiers: MedGen C0005745, MONDO:0000728, HP:0000508.

Submission:

Harry Perkins Institute Of Medical Research, University Of Western Australia
Classification: Likely pathogenic for Ptosis. Last evaluated: 2023-09-20. Review status: criteria provided, single submitter. Criteria: ACMG Guidelines, 2015. Collection method: clinical testing. Allele origin: inherited. Inheritance: Autosomal dominant inheritance. Affected: yes. Observed: 4 variant alleles, 4 heterozygotes. Clinical features observed: Bilateral ptosis (HP:0001488).
Comment: The Phe385Val variant is predicted to be highly damaging by various in silico tools, is absent from population databases including gnomAD, is highly evolutionarily conserved (to yeast), and segregates with disease in 6 individuals. A damaging variant in this gene has also been associated with a similar phenotype (PMID: 29016863).

NM_032525.3(TUBB6):c.1153T>A (p.Phe385Ile)

Gene: TUBB6 (tubulin beta 6 class V; plus strand). Cytogenetic location: 18p11.21.
Variant type: single nucleotide variant.
Coding change: c.1153T>A on transcript NM_032525.3 (MANE Select); coding-DNA position 1153, T replaced by A.
Protein change: p.Phe385Ile; replaces phenylalanine 385 with isoleucine.
Molecular consequence: missense variant. On other transcripts: intron variant (1).
Genome position (GRCh38, 1-based): chr18:12,325,942, T>A. VCF-style: chr18-12325942-T-A. GRCh37 (hg19) VCF-style: chr18-12325941-T-A.
Other names: c.1153T>A, p.Phe385Ile (NM_001303524.1); c.1042T>A, p.Phe348Ile (NM_001303526.2); c.937T>A, p.Phe313Ile (NM_001303527.2); c.958T>A, p.Phe320Ile (NM_001303528.2); c.715T>A, p.Phe239Ile (NM_001303529.3, NM_001303530.3); c.278-3204T>A (NM_001303525.2); short protein forms F239I, F313I, F320I, F348I, F385I.
Identifiers: ClinVar variation 2580154 (VCV002580154.2), dbSNP rs2510213796, ClinGen allele CA401947022.
Genomic context (GRCh38, chr18:12,325,942, plus strand): 5'-TCCACCTTCATCGGCAACAGCACGGCCATCCAGGAGCTGTTCAAGCGCATCTCCGAGCAG[T>A]TCTCAGCCATGTTCCGGCGCAAGGCCTTCCTGCACTGGTTCACGGGTGAGGGCATGGATG-3'
Protein context (NP_115914.1, residues 375-395): QELFKRISEQ[Phe385Ile]SAMFRRKAFL